The following is an entry in ClinVar:

NC_000023.10:g.(?_31745485)_(31838220_?)dup

Gene: DMD (dystrophin; minus strand). Cytogenetic location: Xp21.1.
Variant type: Duplication.
Identifiers: ClinVar variation 3243198 (VCV003243198.1).

ClinVar aggregate classification (germline): Pathogenic (1 of 4 stars; one submission).

Conditions:
Duchenne muscular dystrophy (DMD). Also called: MUSCULAR DYSTROPHY, PSEUDOHYPERTROPHIC PROGRESSIVE, DUCHENNE TYPE; Duchenne Muscular Dystrophy (DMD). Identifiers: Orphanet 98896, MedGen C0013264, MONDO:0010679, OMIM 310200.

Submission:

Labcorp Genetics (formerly Invitae), Labcorp
Classification: Pathogenic for Duchenne muscular dystrophy. Last evaluated: 2023-12-19. Review status: criteria provided, single submitter. Criteria: Invitae Variant Classification Sherloc (09022015). Collection method: clinical testing. Allele origin: unknown.
Comment: This variant results in a copy number gain of the genomic region encompassing exon(s) 50-52 of the DMD gene. While the exact position of this variant cannot be determined from the data, sub-genic copy number gains are generally in tandem (PMID: 25640679). This variant is predicted to be out-of-frame, and may result in an absent or disrupted protein product. Loss-of-function variants in DMD are known to be pathogenic (PMID: 16770791, 25007885). A similar copy number variant has been observed in individuals with Duchenne muscular dystrophy (DMD) (PMID: 1868831, 2316519). For these reasons, this variant has been classified as Pathogenic.

Literature cited by the submitters: PubMed 25640679; PubMed 16770791; PubMed 25007885; PubMed 1868831; PubMed 2316519.